The following is an entry in ClinVar:

ClinVar aggregate classification (germline): Likely pathogenic (1 of 4 stars; one submission).

Submission:

CeGaT Center for Human Genetics Tuebingen
Classification: Likely pathogenic. Last evaluated: 2026-08-01. Review status: criteria provided, single submitter. Criteria: CeGaT Center For Human Genetics Tuebingen Variant Classification Criteria Version 2. Collection method: clinical testing. Allele origin: germline. Affected: yes. Observed: 1 variant allele.
Comment: RAG2: PM1, PM2, PM3

NM_000536.4(RAG2):c.475C>A (p.Arg159Ser)

Gene: RAG2 (recombination activating 2; minus strand). Cytogenetic location: 11p12.
Variant type: single nucleotide variant.
Coding change: c.475C>A on transcript NM_000536.4 (MANE Select); coding-DNA position 475, C replaced by A.
Protein change: p.Arg159Ser; replaces arginine 159 with serine.
Molecular consequence: missense variant.
Genome position (GRCh38, 1-based): chr11:36,593,694, G>T on the plus strand (C>A on the coding strand, the complement: RAG2 is on the minus strand). VCF-style: chr11-36593694-G-T. GRCh37 (hg19) VCF-style: chr11-36615244-G-T.
Other names: c.475C>A, p.Arg159Ser (NM_001243785.2, NM_001243786.2); short protein forms R159S.
Identifiers: ClinVar variation 5040746 (VCV005040746.1).